The following is an entry in ClinVar:

NM_004168.4(SDHA):c.1885dup (p.Tyr629fs)

Gene: SDHA (succinate dehydrogenase complex flavoprotein subunit A; plus strand). Cytogenetic location: 5p15.33.
Variant type: Duplication.
Coding change: c.1885dup on transcript NM_004168.4 (MANE Select); coding-DNA position 1885, one base duplicated (T; older notation c.1885dupT).
Protein change: p.Tyr629fs; shifts the reading frame from tyrosine 629.
Molecular consequence: frameshift variant.
Genome position (GRCh38, 1-based): chr5:254,483, T duplicated. VCF-style (leftmost placement, unchanged base first): chr5-254482-C-CT. GRCh37 (hg19) VCF-style: chr5-254597-C-CT.
Other names: c.1741dup, p.Tyr581fs (NM_001294332.2); c.1642dup, p.Tyr548fs (NM_001330758.2); c.1885dupT (NM_004168.3); short protein forms Y548fs, Y629fs, Y581fs.
Identifiers: ClinVar variation 472365 (VCV000472365.20), dbSNP rs750865703, ClinGen allele CA3173435.

ClinVar aggregate classification (germline): Conflicting classifications of pathogenicity. Review status: criteria provided, conflicting classifications (1 of 4 stars). 5 submissions from 5 submitters: Pathogenic (1); Likely pathogenic (3); Uncertain significance (1). Last evaluated 2023-11-27.

Conditions:
Hereditary cancer-predisposing syndrome. Also called: Neoplastic Syndromes, Hereditary; Hereditary Cancer Syndrome; Hereditary neoplastic syndrome; Tumor predisposition. Identifiers: Orphanet 140162, MedGen C0027672, MeSH D009386, MONDO:0015356.
Pheochromocytoma/paraganglioma syndrome 5. Also called: Paragangliomas 5; SDHA-Related Hereditary Paraganglioma-Pheochromocytoma Syndrome. Identifiers: Orphanet 29072, MedGen C3279992, MONDO:0013602, OMIM 614165.
Dilated cardiomyopathy 1GG (CMD1GG). Identifiers: Orphanet 154, MedGen C3150898, MONDO:0013339, OMIM 613642.
Mitochondrial complex II deficiency, nuclear type 1. Also called: SUCCINATE CoQ REDUCTASE DEFICIENCY. Identifiers: Orphanet 3208, MedGen C5700310, MONDO:0100294, OMIM 252011.

Allele frequency attached by ClinVar (database versions not stated): TOPMed below 0.00001; gnomAD exomes 0.00001; ExAC 0.00004.

Submissions (5):

Myriad Genetics, Inc.
Classification: Likely pathogenic for Pheochromocytoma/paraganglioma syndrome 5. Last evaluated: 2023-11-27. Review status: criteria provided, single submitter. Criteria: Myriad Autosomal Dominant, Autosomal Recessive and X-Linked Classification Criteria (2023). Collection method: clinical testing. Allele origin: unknown.
Comment: This variant is considered likely pathogenic. This variant creates a frameshift predicted to result in premature protein truncation.

Baylor Genetics
Classification: Likely pathogenic for Dilated cardiomyopathy 1GG. Last evaluated: 2023-07-31. Review status: criteria provided, single submitter. Criteria: ACMG Guidelines, 2015. Collection method: clinical testing. Allele origin: unknown.

Ambry Genetics
Classification: Pathogenic for Hereditary cancer-predisposing syndrome. Last evaluated: 2023-03-21. Review status: criteria provided, single submitter. Criteria: Ambry Variant Classification Scheme 2023. Collection method: clinical testing. Allele origin: germline.
Comment: The c.1885dupT pathogenic mutation, located in coding exon 14 of the SDHA gene, results from a duplication of T at nucleotide position 1885, causing a translational frameshift with a predicted alternate stop codon (p.Y629Lfs*14). This alteration occurs at the 3' terminus of theSDHA gene, is not expected to trigger nonsense-mediated mRNA decay, and only impacts the last 36 amino acids of the protein. However, premature stop codons are typically deleterious in nature, the impacted region is critical for protein function, and a significant portion of the protein is affected (Ambry internal data). In addition, this alteration has been detected in multiple individuals with a paraganglioma (Ambry internal data). Based on the supporting evidence, this alteration is interpreted as a disease-causing mutation.

Labcorp Genetics (formerly Invitae), Labcorp
Classification: Uncertain significance for Pheochromocytoma/paraganglioma syndrome 5; Mitochondrial complex II deficiency, nuclear type 1. Last evaluated: 2022-02-10. Review status: criteria provided, single submitter. Criteria: Invitae Variant Classification Sherloc (09022015). Collection method: clinical testing. Allele origin: germline.
Comment: In summary, the available evidence is currently insufficient to determine the role of this variant in disease. Therefore, it has been classified as a Variant of Uncertain Significance. Experimental studies and prediction algorithms are not available or were not evaluated, and the functional significance of this variant is currently unknown. ClinVar contains an entry for this variant (Variation ID: 472365). This premature translational stop signal has been observed in individual(s) with paraganglioma and pheochromocytoma (Invitae). This variant is present in population databases (rs750865703, gnomAD no frequency). This sequence change creates a premature translational stop signal (p.Tyr629Leufs*14) in the SDHA gene. While this is not anticipated to result in nonsense mediated decay, it is expected to disrupt the last 36 amino acid(s) of the SDHA protein.

GeneDx
Classification: Likely pathogenic. Last evaluated: 2020-11-11. Review status: criteria provided, single submitter. Criteria: GeneDx Variant Classification Process June 2021. Collection method: clinical testing. Allele origin: germline. Affected: yes.
Comment: Frameshift variant predicted to result in protein truncation and affect the functionally important C-terminal region, as the last 36 amino acids are lost and replaced with 13 incorrect amino acids, and other loss-of-function variants have been reported downstream in the Human Gene Mutation Database (Kim 2012, Stenson 2014); Not observed at a significant frequency in large population cohorts (Lek 2016); Has not been previously published as pathogenic or benign to our knowledge

Literature cited by the submitters: PubMed 10721988 (cited by Ambry Genetics); PubMed 12525685 (cited by Ambry Genetics); PubMed 17889661 (cited by Ambry Genetics); PubMed 19179534 (cited by Ambry Genetics); PubMed 23043141 (cited by Ambry Genetics); PubMed 23154507 (cited by Ambry Genetics); PubMed 26198225 (cited by Ambry Genetics); PubMed 28615448 (cited by Ambry Genetics); PubMed 29483670 (cited by Ambry Genetics); PubMed 29695869 (cited by Ambry Genetics); PubMed 29804836 (cited by Ambry Genetics); PubMed 32887801 (cited by Ambry Genetics).